The following is an entry in ClinVar:

NM_001276345.2(TNNT2):c.110C>G (p.Ala37Gly)

Gene: TNNT2 (troponin T2, cardiac type; minus strand). Cytogenetic location: 1q32.1.
Variant type: single nucleotide variant.
Coding change: c.110C>G on transcript NM_001276345.2 (MANE Select); coding-DNA position 110, C replaced by G.
Protein change: p.Ala37Gly; replaces alanine 37 with glycine.
Molecular consequence: missense variant.
Genome position (GRCh38, 1-based): chr1:201,368,215, G>C on the plus strand (C>G on the coding strand, the complement: TNNT2 is on the minus strand). VCF-style: chr1-201368215-G-C. GRCh37 (hg19) VCF-style: chr1-201337343-G-C.
Other names: c.110C>G, p.Ala37Gly (NM_000364.4, NM_001276346.2); c.80C>G, p.Ala27Gly (NM_001001430.3, NM_001001431.3, NM_001276347.2); c.65C>G, p.Ala22Gly (NM_001001432.3); short protein forms A27G, A37G, A22G.
Identifiers: ClinVar variation 577616 (VCV000577616.20), dbSNP rs776406819, ClinGen allele CA089208.

ClinVar aggregate classification (germline): Conflicting classifications of pathogenicity. Review status: criteria provided, conflicting classifications (1 of 4 stars). 10 submissions from 8 submitters: Uncertain significance (9); Likely benign (1). Last evaluated 2025-07-29.

Conditions:
Cardiomyopathy (CMYO). Also called: Cardiomyopathies. Identifiers: Orphanet 167848, MedGen C0878544, MONDO:0004994, HP:0001638. Inheritance: Various modes of inheritance.
Hypertrophic cardiomyopathy 2. Also called: TNNT2-Related Familial Hypertrophic Cardiomyopathy. Identifiers: MedGen C1861864, MONDO:0007266, OMIM 115195.
Dilated cardiomyopathy 1D. Identifiers: Orphanet 154, Orphanet 54260, MedGen C1832243, MONDO:0011095, OMIM 601494.
Cardiomyopathy, familial restrictive, 3. Identifiers: Orphanet 75249, MedGen C2676271, MONDO:0012900, OMIM 612422.
Cardiovascular phenotype. Identifiers: MedGen CN230736.

Allele frequency attached by ClinVar (database versions not stated): TOPMed 0.00001; gnomAD exomes 0.00002.
gnomAD v4.1: 3 of 1,614,078 alleles (0.00019%); highest among the groups gnomAD compares: East Asian, 0.0067%; no homozygotes.

Submissions (10):

Ambry Genetics
Classification: Likely benign for Cardiovascular phenotype. Last evaluated: 2025-07-29. Review status: criteria provided, single submitter. Criteria: Ambry Variant Classification Scheme 2023. Collection method: clinical testing. Allele origin: germline.

Color Diagnostics, LLC DBA Color Health
Classification: Uncertain significance for Cardiomyopathy. Last evaluated: 2024-03-07. Review status: criteria provided, single submitter. Criteria: ACMG Guidelines, 2015. Collection method: clinical testing. Allele origin: germline.
Comment: This missense variant replaces alanine with glycine at codon 27 of the TNNT2 protein. Computational prediction suggests that this variant may not impact protein structure and function (internally defined REVEL score threshold <= 0.5, PMID: 27666373). To our knowledge, functional studies have not been reported for this variant. This variant has not been reported in individuals affected with TNNT2-related disorders in the literature. This variant has been identified in 5/251424 chromosomes in the general population by the Genome Aggregation Database (gnomAD). The available evidence is insufficient to determine the role of this variant in disease conclusively. Therefore, this variant is classified as a Variant of Uncertain Significance.

All of Us Research Program, National Institutes of Health
Classification: Uncertain significance for Cardiomyopathy. Last evaluated: 2024-01-11. Review status: criteria provided, single submitter. Criteria: ACMG Guidelines, 2015. Collection method: clinical testing. Allele origin: germline. Inheritance: Autosomal dominant inheritance. Observed: 2 variant alleles, 2 heterozygotes.
Comment: This missense variant replaces alanine with glycine at codon 27 of the TNNT2 protein. Computational prediction suggests that this variant may not impact protein structure and function (internally defined REVEL score threshold <= 0.5, PMID: 27666373). To our knowledge, functional studies have not been reported for this variant. This variant has not been reported in individuals affected with TNNT2-related disorders in the literature. This variant has been identified in 5/251424 chromosomes in the general population by the Genome Aggregation Database (gnomAD). The available evidence is insufficient to determine the role of this variant in disease conclusively. Therefore, this variant is classified as a Variant of Uncertain Significance.

This study involves interpretation of variants in research participants for the purpose of population health screening. Participant phenotype was not available at the time of variant classification. Additional details can be found in publication PMID: 35346344, PMCID: PMC8962531

Genome-Nilou Lab
Classification: Uncertain significance for Dilated cardiomyopathy 1D. Last evaluated: 2023-11-04. Review status: criteria provided, single submitter. Criteria: ACMG Guidelines, 2015. Collection method: clinical testing. Allele origin: germline. Affected: no.

Genome-Nilou Lab
Classification: Uncertain significance for Cardiomyopathy, familial restrictive, 3. Last evaluated: 2023-11-04. Review status: criteria provided, single submitter. Criteria: ACMG Guidelines, 2015. Collection method: clinical testing. Allele origin: germline. Affected: no.

Genome-Nilou Lab
Classification: Uncertain significance for Hypertrophic cardiomyopathy 2. Last evaluated: 2023-11-04. Review status: criteria provided, single submitter. Criteria: ACMG Guidelines, 2015. Collection method: clinical testing. Allele origin: germline. Affected: no.

Labcorp Genetics (formerly Invitae), Labcorp
Classification: Uncertain significance for Cardiomyopathy, familial restrictive, 3; Hypertrophic cardiomyopathy 2; Dilated cardiomyopathy 1D. Last evaluated: 2023-02-22. Review status: criteria provided, single submitter. Criteria: Invitae Variant Classification Sherloc (09022015). Collection method: clinical testing. Allele origin: germline.
Comment: In summary, the available evidence is currently insufficient to determine the role of this variant in disease. Therefore, it has been classified as a Variant of Uncertain Significance. Advanced modeling of protein sequence and biophysical properties (such as structural, functional, and spatial information, amino acid conservation, physicochemical variation, residue mobility, and thermodynamic stability) performed at Invitae indicates that this missense variant is not expected to disrupt TNNT2 protein function. ClinVar contains an entry for this variant (Variation ID: 577616). This variant has not been reported in the literature in individuals affected with TNNT2-related conditions. This variant is present in population databases (rs776406819, gnomAD 0.03%). This sequence change replaces alanine, which is neutral and non-polar, with glycine, which is neutral and non-polar, at codon 27 of the TNNT2 protein (p.Ala27Gly).

Fulgent Genetics
Classification: Uncertain significance for Hypertrophic cardiomyopathy 2; Dilated cardiomyopathy 1D; Cardiomyopathy, familial restrictive, 3. Last evaluated: 2021-09-09. Review status: criteria provided, single submitter. Criteria: ACMG Guidelines, 2015. Collection method: clinical testing. Allele origin: unknown.

Women's Health and Genetics/Laboratory Corporation of America, LabCorp
Classification: Uncertain significance. Last evaluated: 2021-05-12. Review status: criteria provided, single submitter. Criteria: LabCorp Variant Classification Summary - May 2015. Collection method: clinical testing. Allele origin: germline.
Comment: Variant summary: TNNT2 c.80C>G (p.Ala27Gly) results in a non-conservative amino acid change in the encoded protein sequence. Two of four in-silico tools predict a benign effect of the variant on protein function. The variant allele was found at a frequency of 2e-05 in 251424 control chromosomes. The available data on variant occurrences in the general population are insufficient to allow any conclusion about variant significance. To our knowledge, no occurrence of c.80C>G in individuals affected with Cardiomyopathy and no experimental evidence demonstrating its impact on protein function have been reported. Two clinical diagnostic laboratories have submitted clinical-significance assessments for this variant to ClinVar after 2014 without evidence for independent evaluation. All laboratories classified the variant as uncertain significance. Based on the evidence outlined above, the variant was classified as uncertain significance.

Breakthrough Genomics
Classification: Uncertain significance. Review status: criteria provided, single submitter. Criteria: ACMG Guidelines, 2015. Collection method: not provided. Allele origin: germline. Inheritance: Autosomal dominant inheritance. Affected: yes.